The following is an entry in ClinVar:

ClinVar aggregate classification (germline): Uncertain significance. Review status: criteria provided, multiple submitters, no conflicts (2 of 4 stars). 2 submissions from 2 submitters: Uncertain significance (2). Last evaluated 2025-10-21.

Conditions:
Inborn genetic diseases. Identifiers: MedGen C0950123, MeSH D030342.

Allele frequency attached by ClinVar (database versions not stated): gnomAD 0.00042 and 0.00039; ESP Exome Variant Server 0.00054; 1000 Genomes Project 0.00060; 1000 Genomes Project 30x 0.00062; gnomAD exomes 0.00004 and 0.00008; ExAC 0.00012; TOPMed 0.00041.
gnomAD v4.1: 111 of 1,613,986 alleles (0.0069%); highest among the groups gnomAD compares: African/African-American, 0.14%; no homozygotes.

Submissions (2):

Labcorp Genetics (formerly Invitae), Labcorp
Classification: Uncertain significance. Last evaluated: 2025-10-21. Review status: criteria provided, single submitter. Criteria: Invitae Variant Classification Sherloc (09022015). Collection method: clinical testing. Allele origin: germline.
Comment: This sequence change replaces alanine, which is neutral and non-polar, with threonine, which is neutral and polar, at codon 160 of the RIPK1 protein (p.Ala160Thr). This variant is present in population databases (rs147072629, gnomAD 0.1%). This variant has not been reported in the literature in individuals affected with RIPK1-related conditions. ClinVar contains an entry for this variant (Variation ID: 1524004). An algorithm developed to predict the effect of missense changes on protein structure and function (PolyPhen-2) suggests that this variant is likely to be disruptive. In summary, the available evidence is currently insufficient to determine the role of this variant in disease. Therefore, it has been classified as a Variant of Uncertain Significance.

Ambry Genetics
Classification: Uncertain significance for Inborn genetic diseases. Last evaluated: 2025-04-12. Review status: criteria provided, single submitter. Criteria: Ambry Variant Classification Scheme 2023. Collection method: clinical testing. Allele origin: germline.

NM_001354930.2(RIPK1):c.478G>A (p.Ala160Thr)

Gene: RIPK1 (receptor interacting serine/threonine kinase 1; plus strand). Cytogenetic location: 6p25.2.
Variant type: single nucleotide variant.
Coding change: c.478G>A on transcript NM_001354930.2 (MANE Select); coding-DNA position 478, G replaced by A.
Protein change: p.Ala160Thr; replaces alanine 160 with threonine.
Molecular consequence: missense variant. On other transcripts: 5 prime UTR variant (4).
Genome position (GRCh38, 1-based): chr6:3,083,103, G>A. VCF-style: chr6-3083103-G-A. GRCh37 (hg19) VCF-style: chr6-3083337-G-A.
Other names: c.-12G>A (NM_001317061.3, NM_001354932.2, NM_001354933.2 and 1 more transcripts); c.340G>A, p.Ala114Thr (NM_001354931.2); c.478G>A, p.Ala160Thr (NM_003804.6); c.478G>A (NM_003804.3); short protein forms A114T, A160T.
Identifiers: ClinVar variation 1524004 (VCV001524004.8), dbSNP rs147072629, ClinGen allele CA3618208.